The following is an entry in ClinVar:

NM_003183.6(ADAM17):c.289G>A (p.Val97Met)

Gene: ADAM17 (ADAM metallopeptidase domain 17; minus strand). Cytogenetic location: 2p25.1.
Variant type: single nucleotide variant.
Coding change: c.289G>A on transcript NM_003183.6 (MANE Select); coding-DNA position 289, G replaced by A.
Protein change: p.Val97Met; replaces valine 97 with methionine.
Molecular consequence: missense variant. On other transcripts: 5 prime UTR variant (2).
Genome position (GRCh38, 1-based): chr2:9,536,770, C>T on the plus strand (G>A on the coding strand, the complement: ADAM17 is on the minus strand). VCF-style: chr2-9536770-C-T. GRCh37 (hg19) VCF-style: chr2-9676899-C-T.
Other names: c.-392G>A (NM_001382777.1); c.-634G>A (NM_001382778.1); short protein forms V97M.
Identifiers: ClinVar variation 1014516 (VCV001014516.6), dbSNP rs377513734, ClinGen allele CA345786391.

ClinVar aggregate classification (germline): Uncertain significance (1 of 4 stars; one submission).

Conditions:
Inflammatory skin and bowel disease, neonatal, 1. Identifiers: Orphanet 294023, MedGen C3280501, MONDO:0013693, OMIM 614328.

gnomAD v4.1: 5 of 1,614,068 alleles (0.00031%); highest among the groups gnomAD compares: African/African-American, 0.0027%; no homozygotes.

Submission:

Labcorp Genetics (formerly Invitae), Labcorp
Classification: Uncertain significance for Inflammatory skin and bowel disease, neonatal, 1. Last evaluated: 2022-05-06. Review status: criteria provided, single submitter. Criteria: Invitae Variant Classification Sherloc (09022015). Collection method: clinical testing. Allele origin: germline.
Comment: This sequence change replaces valine, which is neutral and non-polar, with methionine, which is neutral and non-polar, at codon 97 of the ADAM17 protein (p.Val97Met). This variant is not present in population databases (gnomAD no frequency). This variant has not been reported in the literature in individuals affected with ADAM17-related conditions. ClinVar contains an entry for this variant (Variation ID: 1014516). Algorithms developed to predict the effect of missense changes on protein structure and function output the following: SIFT: "Not Available"; PolyPhen-2: "Benign"; Align-GVGD: "Not Available". The methionine amino acid residue is found in multiple mammalian species, which suggests that this missense change does not adversely affect protein function. In summary, the available evidence is currently insufficient to determine the role of this variant in disease. Therefore, it has been classified as a Variant of Uncertain Significance.